The following is an entry in ClinVar:

NM_000064.4(C3):c.2702T>C (p.Val901Ala)

Gene: C3 (complement C3; minus strand). Cytogenetic location: 19p13.3.
Variant type: single nucleotide variant.
Coding change: c.2702T>C on transcript NM_000064.4 (MANE Select); coding-DNA position 2702, T replaced by C.
Protein change: p.Val901Ala; replaces valine 901 with alanine.
Molecular consequence: missense variant.
Genome position (GRCh38, 1-based): chr19:6,697,438, A>G on the plus strand (T>C on the coding strand, the complement: C3 is on the minus strand). VCF-style: chr19-6697438-A-G. GRCh37 (hg19) VCF-style: chr19-6697449-A-G.
Other names: short protein forms V901A.
Identifiers: ClinVar variation 4741980 (VCV004741980.1).
Genomic context (GRCh38, chr19:6,697,438, plus strand): 5'-ATGAAATGATGGTAGACAGCAGCCTTGACTTCCACTTCCTGCAGGCCGGTCTTTAGCGGC[A>G]CGATGACATATGGAACGGACAACGAGGACTTGGGGGGGATGGTTACGGTCTGCTGGTGAC-3'
Protein context (NP_000055.2, residues 891-911): KSSLSVPYVI[Val901Ala]PLKTGLQEVE

ClinVar aggregate classification (germline): Uncertain significance (1 of 4 stars; one submission).

Submission:

Labcorp Genetics (formerly Invitae), Labcorp
Classification: Uncertain significance. Last evaluated: 2025-06-17. Review status: criteria provided, single submitter. Criteria: Invitae Variant Classification Sherloc (09022015). Collection method: clinical testing. Allele origin: germline.
Comment: This sequence change replaces valine, which is neutral and non-polar, with alanine, which is neutral and non-polar, at codon 901 of the C3 protein (p.Val901Ala). This variant is not present in population databases (gnomAD no frequency). This variant has not been reported in the literature in individuals affected with C3-related conditions. Invitae Evidence Modeling of protein sequence and biophysical properties (such as structural, functional, and spatial information, amino acid conservation, physicochemical variation, residue mobility, and thermodynamic stability) indicates that this missense variant is expected to disrupt C3 protein function with a positive predictive value of 80%. In summary, the available evidence is currently insufficient to determine the role of this variant in disease. Therefore, it has been classified as a Variant of Uncertain Significance.